The following is an entry in ClinVar:

NM_001243226.3(TCF4):c.74del (p.Asn25fs)

Gene: TCF4 (transcription factor 4; minus strand). Cytogenetic location: 18q21.2.
Variant type: Deletion.
Coding change: c.74del on transcript NM_001243226.3; coding-DNA position 74, one base deleted (A; older notation c.74delA).
Protein change: p.Asn25fs; shifts the reading frame from asparagine 25.
Molecular consequence: frameshift variant.
Genome position (GRCh38, 1-based): chr18:55,635,824, T deleted on the plus strand (A on the coding strand, the reverse complement: TCF4 is on the minus strand); the first of 3 consecutive T bases (chr18:55,635,824-55,635,826); deleting any one gives the same sequence. VCF-style (leftmost placement, unchanged base first): chr18-55635823-AT-A. GRCh37 (hg19) VCF-style: chr18-53303054-AT-A.
Other names: c.74delA (NM_001243226.3); short protein forms N25fs.
Identifiers: ClinVar variation 915413 (VCV000915413.29), dbSNP rs752700752, ClinGen allele CA8970723.

ClinVar aggregate classification (germline): Conflicting classifications of pathogenicity. Review status: criteria provided, conflicting classifications (1 of 4 stars). 3 submissions from 3 submitters: Likely pathogenic (1); Uncertain significance (1); Likely benign (1). Last evaluated 2023-08-01.

Conditions:
Pitt-Hopkins syndrome (PTHS). Also called: MENTAL RETARDATION, SYNDROMAL, WITH INTERMITTENT HYPERVENTILATION; ENCEPHALOPATHY, SEVERE EPILEPTIC, WITH AUTONOMIC DYSFUNCTION. Identifiers: Orphanet 2896, MedGen C1970431, MONDO:0012589, OMIM 610954.

Submissions (3):

CeGaT Center for Human Genetics Tuebingen
Classification: Uncertain significance. Last evaluated: 2023-08-01. Review status: criteria provided, single submitter. Criteria: CeGaT Center For Human Genetics Tuebingen Variant Classification Criteria Version 2. Collection method: clinical testing. Allele origin: germline. Affected: yes. Observed: 1 variant allele.

Victorian Clinical Genetics Services, Murdoch Childrens Research Institute
Classification: Likely benign for Pitt-Hopkins syndrome. Last evaluated: 2021-05-06. Review status: criteria provided, single submitter. Criteria: ACMG Guidelines, 2015. Collection method: clinical testing. Allele origin: germline. Inheritance: Autosomal dominant inheritance.
Comment: Based on the classification scheme VCGS_Germline_v1.3.4, this variant is classified as Likely Benign. Following criteria are met: 0102 - Loss of function is a known mechanism of disease in this gene and is associated with Fuchs endothelial corneal dystrophy (MIM#613267) and Pitt-Hopkins syndrome (MIM#610954). (I) 0107 - This gene is associated with autosomal dominant disease. (I) 0202 - Variant is predicted to cause nonsense-mediated decay (NMD) and loss of protein (premature termination codon is located at least 54 nucleotides upstream of the final exon-exon junction), but is located in an exon that may undergo alternative splicing. (SP) 0219 - This variant is non-coding in an alternative transcript. Although it is encoded in the longest transcript, it is non-coding in all others (UCSC, NCBI). (I) 0251 - This variant is heterozygous. (I) 0308 - Population frequency for this variant is out of keeping with known incidence of Pitt-Hopkins syndrome (MIM#610954). (SB) 0803 - This variant has limited previous evidence of pathogenicity in an unrelated individual. It has been reported once by a diagnostic laboratory in Clinvar and classified as Likely Pathogenic (ClinVar). (SP) 0905 - No published segregation evidence has been identified for this variant. (I) 1007 - No published functional evidence has been identified for this variant. (I) 1208 - Inheritance information for this variant is not currently available in this individual. (I) Legend: (SP) - Supporting pathogenic, (I) - Information, (SB) - Supporting benign

Genomic Research Center, Shahid Beheshti University of Medical Sciences
Classification: Likely pathogenic. Last evaluated: 2020-05-03. Review status: criteria provided, single submitter. Criteria: ACMG Guidelines, 2015. Collection method: clinical testing. Allele origin: unknown. Affected: yes.